The following is an entry in ClinVar:

NM_000222.3(KIT):c.2539A>G (p.Thr847Ala)

Gene: KIT (KIT proto-oncogene, receptor tyrosine kinase; plus strand). Cytogenetic location: 4q12.
Variant type: single nucleotide variant.
Coding change: c.2539A>G on transcript NM_000222.3 (MANE Select); coding-DNA position 2539, A replaced by G.
Protein change: p.Thr847Ala; replaces threonine 847 with alanine.
Molecular consequence: missense variant.
Genome position (GRCh38, 1-based): chr4:54,736,552, A>G. VCF-style: chr4-54736552-A-G. GRCh37 (hg19) VCF-style: chr4-55602718-A-G.
Other names: c.2527A>G, p.Thr843Ala (NM_001093772.2, NM_001385292.1); c.2542A>G, p.Thr848Ala (NM_001385284.1); c.2536A>G, p.Thr846Ala (NM_001385285.1); c.2524A>G, p.Thr842Ala (NM_001385286.1); c.2530A>G, p.Thr844Ala (NM_001385288.1); c.2539A>G, p.Thr847Ala (NM_001385290.1); short protein forms T842A, T843A, T844A, T846A, T847A, T848A.
Identifiers: ClinVar variation 1013731 (VCV001013731.11), dbSNP rs121913687, ClinGen allele CA356913175.
Genomic context (GRCh38, chr4:54,736,552, plus strand): 5'-TTACAGGCTCGACTACCTGTGAAGTGGATGGCACCTGAAAGCATTTTCAACTGTGTATAC[A>G]CGTTTGAAAGTGACGTCTGGTCCTATGGGATTTTTCTTTGGGAGCTGTTCTCTTTAGGTA-3'
Protein context (NP_000213.1, residues 837-857): APESIFNCVY[Thr847Ala]FESDVWSYGI

ClinVar aggregate classification (germline): Uncertain significance. Review status: criteria provided, multiple submitters, no conflicts (2 of 4 stars). 2 submissions from 2 submitters: Uncertain significance (2). Last evaluated 2022-02-23.

Conditions:
Hereditary cancer-predisposing syndrome. Also called: Neoplastic Syndromes, Hereditary; Hereditary Cancer Syndrome; Hereditary neoplastic syndrome; Tumor predisposition. Identifiers: Orphanet 140162, MedGen C0027672, MeSH D009386, MONDO:0015356.
Gastrointestinal stromal tumor. Also called: Gastrointestinal stromal tumor, somatic; Gastrointestinal stroma tumor. Identifiers: Orphanet 44890, MedGen C0238198, MeSH D046152, MONDO:0011719, OMIM 606764, HP:0100723.

Submissions (2):

Ambry Genetics
Classification: Uncertain significance for Hereditary cancer-predisposing syndrome. Last evaluated: 2022-02-23. Review status: criteria provided, single submitter. Criteria: Ambry Variant Classification Scheme 2023. Collection method: clinical testing. Allele origin: germline.
Comment: The p.T847A variant (also known as c.2539A>G), located in coding exon 18 of the KIT gene, results from an A to G substitution at nucleotide position 2539. The threonine at codon 847 is replaced by alanine, an amino acid with similar properties. This amino acid position is conserved. In addition, this alteration is predicted to be deleterious by in silico analysis. Since supporting evidence is limited at this time, the clinical significance of this alteration remains unclear.

Labcorp Genetics (formerly Invitae), Labcorp
Classification: Uncertain significance for Gastrointestinal stromal tumor. Last evaluated: 2020-10-23. Review status: criteria provided, single submitter. Criteria: Invitae Variant Classification Sherloc (09022015). Collection method: clinical testing. Allele origin: germline.
Comment: In summary, the available evidence is currently insufficient to determine the role of this variant in disease. Therefore, it has been classified as a Variant of Uncertain Significance. Algorithms developed to predict the effect of missense changes on protein structure and function are either unavailable or do not agree on the potential impact of this missense change (SIFT: "Deleterious"; PolyPhen-2: "Benign"; Align-GVGD: "Class C55"). This variant has not been reported in the literature in individuals with KIT-related conditions. This variant is not present in population databases (ExAC no frequency). This sequence change replaces threonine with alanine at codon 847 of the KIT protein (p.Thr847Ala). The threonine residue is highly conserved and there is a small physicochemical difference between threonine and alanine.